The following is an entry in ClinVar:

NM_001009944.3(PKD1):c.10816C>A (p.Leu3606Met)

Genes: PKD1 (polycystin 1, transient receptor potential channel interacting; minus strand), PKD1-AS1 (PKD1 antisense RNA 1; plus strand). Cytogenetic location: 16p13.3.
Variant type: single nucleotide variant.
Coding change: c.10816C>A on transcript NM_001009944.3 (MANE Select); coding-DNA position 10816, C replaced by A.
Protein change: p.Leu3606Met; replaces leucine 3606 with methionine.
Molecular consequence: missense variant.
Genome position (GRCh38, 1-based): chr16:2,093,816, G>T on the plus strand (C>A on the coding strand, the complement: PKD1 is on the minus strand). VCF-style: chr16-2093816-G-T. GRCh37 (hg19) VCF-style: chr16-2143817-G-T.
Other names: c.10813C>A, p.Leu3605Met (NM_000296.4); short protein forms L3605M, L3606M.
Identifiers: ClinVar variation 4986736 (VCV004986736.1).
Genomic context (GRCh38, chr16:2,093,816, plus strand): 5'-TCAGAGGGGTCCCCCGTGATGGAGGCCTGTAGCCTACCCCTGGCAGCCCCCTCACCTTCA[G>T]TGGCTCCCAGCCGAGGAATGAGGCCAGGAAGCTGGCGCTGCTGGACAGGAGCCACGCAAC-3'
Protein context (NP_001009944.3, residues 3596-3616): FLASFLGWEP[Leu3606Met]KVLLEALYFS

ClinVar aggregate classification (germline): Uncertain significance (1 of 4 stars; one submission).

Conditions:
PKD1-related disorder. Also called: PKD1-related condition.

gnomAD v4.1: 11 of 1,555,634 alleles (0.00071%); highest among the groups gnomAD compares: Admixed American, 0.0075%; no homozygotes.

Submission:

PreventionGenetics, part of Exact Sciences
Classification: Uncertain significance for PKD1-related condition. Last evaluated: 2026-08-22. Review status: criteria provided, single submitter. Criteria: ACMG Guidelines, 2015. Collection method: clinical testing. Allele origin: germline.
Comment: The PKD1 c.10816C>A variant is predicted to result in the amino acid substitution p.Leu3606Met. To our knowledge, this variant has not been reported in the literature. This variant is reported in 0.0074% of alleles in individuals of Latino descent in gnomAD. At this time, the clinical significance of this variant is uncertain due to the absence of conclusive functional and genetic evidence.